The following is an entry in ClinVar:

ClinVar aggregate classification (germline): Uncertain significance (1 of 4 stars; one submission).

gnomAD v4.1: 2 of 1,607,682 alleles (0.00012%); highest among the groups gnomAD compares: South Asian, 0.0022%; no homozygotes.

Submission:

GeneDx
Classification: Uncertain significance. Last evaluated: 2025-05-12. Review status: criteria provided, single submitter. Criteria: GeneDx Variant Classification Process June 2021. Collection method: clinical testing. Allele origin: germline. Affected: yes.
Comment: Not observed at significant frequency in large population cohorts (gnomAD); In silico analysis supports that this missense variant has a deleterious effect on protein structure/function; Has not been previously published as pathogenic or benign to our knowledge

NM_032590.5(KDM2B):c.350A>T (p.Lys117Met)

Gene: KDM2B (lysine demethylase 2B; minus strand). Cytogenetic location: 12q24.31.
Variant type: single nucleotide variant.
Coding change: c.350A>T on transcript NM_032590.5 (MANE Select); coding-DNA position 350, A replaced by T.
Protein change: p.Lys117Met; replaces lysine 117 with methionine.
Molecular consequence: missense variant.
Genome position (GRCh38, 1-based): chr12:121,575,781, T>A on the plus strand (A>T on the coding strand, the complement: KDM2B is on the minus strand). VCF-style: chr12-121575781-T-A. GRCh37 (hg19) VCF-style: chr12-122013686-T-A.
Other names: c.257A>T, p.Lys86Met (NM_001005366.2, NM_001439020.1, NM_001439025.1 and 1 more transcripts); c.446A>T, p.Lys149Met (NM_001439014.1, NM_001439015.1); c.350A>T, p.Lys117Met (NM_001439016.1, NM_001439017.1, NM_001439018.1); c.239A>T, p.Lys80Met (NM_001439021.1, NM_001439028.1); c.287A>T, p.Lys96Met (NM_001439022.1, NM_001439023.1, NM_001439029.1); short protein forms K117M, K149M, K80M, K86M, K96M.
Identifiers: ClinVar variation 4529804 (VCV004529804.1).
Genomic context (GRCh38, chr12:121,575,781, plus strand): 5'-AGCTATAAAGTATGTTAGGGAGGAAGACGGGGGAAGGAGTGATTAGTTTCAGCAACTTAC[T>A]TAATTCCCAGTCCATCCTTTTCTCGAAATATCAGGGGAACCCTGAGAGCTTCTCTCTGTA-3'
Protein context (NP_115979.3, residues 107-127): IFREKDGLGI[Lys117Met]MPDPDFTVRD